The following is an entry in ClinVar:

NM_006231.4(POLE):c.307T>C (p.Tyr103His)

Gene: POLE (DNA polymerase epsilon, catalytic subunit; minus strand). Cytogenetic location: 12q24.33.
Variant type: single nucleotide variant.
Coding change: c.307T>C on transcript NM_006231.4 (MANE Select); coding-DNA position 307, T replaced by C.
Protein change: p.Tyr103His; replaces tyrosine 103 with histidine.
Molecular consequence: missense variant.
Genome position (GRCh38, 1-based): chr12:132,680,201, A>G on the plus strand (T>C on the coding strand, the complement: POLE is on the minus strand). VCF-style: chr12-132680201-A-G. GRCh37 (hg19) VCF-style: chr12-133256787-A-G.
Other names: c.307T>C (NM_006231.2); short protein forms Y103H.
Identifiers: ClinVar variation 573406 (VCV000573406.9), dbSNP rs1292121980, ClinGen allele CA387368723.

ClinVar aggregate classification (germline): Uncertain significance. Review status: criteria provided, multiple submitters, no conflicts (2 of 4 stars). 2 submissions from 2 submitters: Uncertain significance (2). Last evaluated 2026-06-02.

Conditions:
Hereditary cancer-predisposing syndrome. Also called: Tumor predisposition; Hereditary Cancer Syndrome; Neoplastic Syndromes, Hereditary; Hereditary neoplastic syndrome. Identifiers: Orphanet 140162, MedGen C0027672, MeSH D009386, MONDO:0015356.

Allele frequency attached by ClinVar (database versions not stated): gnomAD 0.00001; TOPMed 0.00002.

Submissions (2):

Ambry Genetics
Classification: Uncertain significance for Hereditary cancer-predisposing syndrome. Last evaluated: 2026-06-02. Review status: criteria provided, single submitter. Criteria: Ambry Variant Classification Scheme 2023. Collection method: clinical testing. Allele origin: germline.
Comment: The p.Y103H variant (also known as c.307T>C), located in coding exon 4 of the POLE gene, results from a T to C substitution at nucleotide position 307. The tyrosine at codon 103 is replaced by histidine, an amino acid with similar properties. This amino acid position is conserved. In addition, the in silico prediction for this alteration is inconclusive. Based on the available evidence, the clinical significance of this variant remains unclear.

Labcorp Genetics (formerly Invitae), Labcorp
Classification: Uncertain significance. Last evaluated: 2022-05-15. Review status: criteria provided, single submitter. Criteria: Invitae Variant Classification Sherloc (09022015). Collection method: clinical testing. Allele origin: germline.
Comment: In summary, the available evidence is currently insufficient to determine the role of this variant in disease. Therefore, it has been classified as a Variant of Uncertain Significance. Algorithms developed to predict the effect of missense changes on protein structure and function are either unavailable or do not agree on the potential impact of this missense change (SIFT: "Deleterious"; PolyPhen-2: "Probably Damaging"; Align-GVGD: "Class C0"). ClinVar contains an entry for this variant (Variation ID: 573406). This variant has not been reported in the literature in individuals affected with POLE-related conditions. This variant is not present in population databases (gnomAD no frequency). This sequence change replaces tyrosine, which is neutral and polar, with histidine, which is basic and polar, at codon 103 of the POLE protein (p.Tyr103His).